The following is an entry in ClinVar:

NM_001040142.2(SCN2A):c.796G>A (p.Gly266Arg)

Gene: SCN2A (sodium voltage-gated channel alpha subunit 2; plus strand). Cytogenetic location: 2q24.3.
Variant type: single nucleotide variant.
Coding change: c.796G>A on transcript NM_001040142.2 (MANE Select); coding-DNA position 796, G replaced by A.
Protein change: p.Gly266Arg; replaces glycine 266 with arginine.
Molecular consequence: missense variant.
Genome position (GRCh38, 1-based): chr2:165,310,421, G>A. VCF-style: chr2-165310421-G-A. GRCh37 (hg19) VCF-style: chr2-166166931-G-A.
Other names: c.796G>A, p.Gly266Arg (NM_001040143.2, NM_001371246.1, NM_001371247.1 and 1 more transcripts); c.796G>A (NM_021007.2); short protein forms G266R.
Identifiers: ClinVar variation 4531776 (VCV004531776.2).

ClinVar aggregate classification (germline): Likely pathogenic. Review status: criteria provided, multiple submitters, no conflicts (2 of 4 stars). 2 submissions from 2 submitters: Likely pathogenic (2). Last evaluated 2025-10-01.

Conditions:
Inborn genetic diseases. Identifiers: MedGen C0950123, MeSH D030342.
Complex neurodevelopmental disorder. Identifiers: Orphanet 528084, MedGen C5568766, MONDO:0100038.

Submissions (2):

Ambry Genetics
Classification: Likely pathogenic for Inborn genetic diseases. Last evaluated: 2025-10-01. Review status: criteria provided, single submitter. Criteria: Ambry Variant Classification Scheme 2023. Collection method: clinical testing. Allele origin: germline.
Comment: The c.796G>A (p.G266R) alteration is located in exon 7 (coding exon 6) of the SCN2A gene. This alteration results from a G to A substitution at nucleotide position 796, causing the glycine (G) at amino acid position 266 to be replaced by an arginine (R). This variant was not reported in population-based cohorts in the Genome Aggregation Database (gnomAD). This variant was determined to be de novo in at least one individual with features consistent with SCN2A-related neurodevelopmental disorder (Zhou, 2022) This amino acid position is highly conserved in available vertebrate species. This missense alteration is located in a region that has a low rate of benign missense variation (Lek, 2016; Firth, 2009). This alteration is predicted to be deleterious by in silico analysis. Based on the available evidence, this alteration is classified as likely pathogenic.

Victorian Clinical Genetics Services, Murdoch Childrens Research Institute
Classification: Likely pathogenic for Complex neurodevelopmental disorder. Last evaluated: 2025-02-14. Review status: criteria provided, single submitter. Criteria: ACMG Guidelines, 2015. Collection method: clinical testing. Allele origin: germline. Affected: yes.
Comment: This variant is classified as Likely pathogenic. Evidence in support of pathogenic classification: Variant is absent from gnomAD (v2, v3 and v4); This variant has limited previous evidence of pathogenicity in an unrelated individual(s). This variant has been reported in the literature as de novo in an individual with autism spectrum disorder (PMID: 35982159); Missense variant predicted to be damaging by in silico tool(s) or highly conserved with a major amino acid change; Additional information: Variant is predicted to result in a missense amino acid change from glycine to arginine; This variant is heterozygous; This gene is associated with autosomal dominant disease; No published functional evidence has been identified for this variant; No comparable missense variants have previous evidence for pathogenicity; Variant is located in the annotated ion transport protein domain (DECIPHER, InterPro); Loss of function and gain of function are known mechanisms of disease in this gene. Variants causing a gain of function result in developmental and epileptic encephalopathy 11 (MIM#613721) or benign familial infantile seizures 3 (MIM#607745), whereas variants causing loss of function result in autism spectrum disorder and/or intellectual disability, with or without childhood-onset seizures (OMIM, PMIDs: 29691040, 31904126); Variants in this gene are known to have variable expressivity (OMIM).

Literature cited by the submitters: PubMed 35982159 (cited by Ambry Genetics and Victorian Clinical Genetics Services, Murdoch Childrens Research Institute); PubMed 31904126 (cited by Victorian Clinical Genetics Services, Murdoch Childrens Research Institute); PubMed 29691040 (cited by Victorian Clinical Genetics Services, Murdoch Childrens Research Institute).